The following is an entry in ClinVar:

NM_006269.2(RP1):c.6_7del (p.Ser2fs)

Gene: RP1 (RP1 axonemal microtubule associated; plus strand). Cytogenetic location: 8q12.1.
Variant type: Deletion.
Coding change: c.6_7del on transcript NM_006269.2 (MANE Select); coding-DNA positions 6 to 7, 2 bases deleted (TG; older notation c.6_7delTG).
Protein change: p.Ser2fs; shifts the reading frame from serine 2.
Molecular consequence: frameshift variant.
Genome position (GRCh38, 1-based): chr8:54,620,972-54,620,973, TG deleted; deleting any 2 consecutive bases within chr8:54,620,971-54,620,973 gives the same sequence; the c. name uses the placement nearest the transcript's 3' end. VCF-style (leftmost placement, unchanged base first): chr8-54620970-AGT-A. GRCh37 (hg19) VCF-style: chr8-55533530-AGT-A.
Other names: c.6_7del, p.Ser2fs (NM_001375654.1); c.6_7delTG (NM_006269.2); short protein forms S2fs.
Identifiers: ClinVar variation 2500819 (VCV002500819.1), dbSNP rs2536554746, ClinGen allele CA2580078387.

ClinVar aggregate classification (germline): Pathogenic (1 of 4 stars; one submission).

Conditions:
Retinitis pigmentosa 1 (RP1). Identifiers: Orphanet 791, MedGen C0220701, MONDO:0008377, OMIM 180100.

Submission:

Pangenia Genomics, Pangenia Inc.
Classification: Pathogenic for Retinitis pigmentosa 1. Last evaluated: 2022-03-14. Review status: criteria provided, single submitter. Criteria: ACMG Guidelines, 2015. Collection method: research. Allele origin: maternal, unknown. Inheritance: Autosomal recessive inheritance. Affected: yes and no. Observed: 1 heterozygote, 2 compound heterozygotes.
Comment: The RP1, c.6_7delTG (p.Ser2Argfs*16) variant is a frameshift variant in exon 2 of RP1 gene, resulting in a premature translation stop signal in the mRNA predicted to undergo nonsense mediated decay, creating a null variant of the RP1 gene. This variant is absent from controls in population database. There is presence of co-segregation with disease in multiple affected family members. This variant is detected in trans with a likely-pathogenic variant [RP1, c.4941dupT (p.Pro1648Serfs*13)].